The following is an entry in ClinVar:

ClinVar aggregate classification (germline): Likely benign. Review status: criteria provided, multiple submitters, no conflicts (2 of 4 stars). 2 submissions from 2 submitters: Likely benign (2). Last evaluated 2026-06-18.

Conditions:
Retinoblastoma (RB1). Also called: RETINOBLASTOMA, SOMATIC. Identifiers: Orphanet 790, MedGen C0035335, MeSH D012175, MONDO:0008380, OMIM 180200, HP:0009919. Disease mechanism: loss of function. Inheritance: Both sporadic and heritable forms are tested..

gnomAD v4.1: 1 of 1,596,974 alleles (0.000063%); highest among the groups gnomAD compares: Non-Finnish European, 0.000085%; no homozygotes.

Submissions (2):

Myriad Genetics, Inc.
Classification: Likely benign for Retinoblastoma. Last evaluated: 2026-06-18. Review status: criteria provided, single submitter. Criteria: Myriad Autosomal Dominant, Autosomal Recessive and X-Linked Classification Criteria (2023). Collection method: clinical testing. Allele origin: unknown.
Comment: This variant is considered likely benign. This variant is intronic and is not expected to impact mRNA splicing.

Labcorp Genetics (formerly Invitae), Labcorp
Classification: Likely benign for Retinoblastoma. Last evaluated: 2025-10-21. Review status: criteria provided, single submitter. Criteria: Invitae Variant Classification Sherloc (09022015). Collection method: clinical testing. Allele origin: germline.

NM_000321.3(RB1):c.940-20A>G

Gene: RB1 (RB transcriptional corepressor 1; plus strand). Cytogenetic location: 13q14.2.
Variant type: single nucleotide variant.
Coding change: c.940-20A>G on transcript NM_000321.3 (MANE Select); 20 bases into the intron before coding-DNA position 940, A replaced by G.
Molecular consequence: intron variant.
Genome position (GRCh38, 1-based): chr13:48,367,474, A>G. VCF-style: chr13-48367474-A-G. GRCh37 (hg19) VCF-style: chr13-48941610-A-G.
Identifiers: ClinVar variation 1575785 (VCV001575785.9), dbSNP rs2138120861, ClinGen allele CA2573149577.